The following is an entry in ClinVar:

GRCh38/hg38 6p21.31(chr6:35547999-35570367)x3

Gene: LOC101929309 (uncharacterized LOC101929309; plus strand). Cytogenetic location: 6p21.31.
Variant type: copy number gain.
Change: copy number 3 (three copies instead of two) of chr6:35,547,999-35,570,367 (22.4 kb, GRCh38 coordinates, 1-based), cytogenetic band 6p21.31.
Identifiers: ClinVar variation 151599 (VCV000151599.1).

ClinVar aggregate classification (germline): Benign/Likely benign (0 of 4 stars; one submission).

Submission:

GeneDx
Classification: Benign/Likely benign. Last evaluated: 2011-04-30. Review status: no assertion criteria provided. Collection method: clinical testing. Allele origin: not provided. Affected: yes. Observed: 2 variant alleles.
Comment: Likely benign (1), Benign (1)